The following is an entry in ClinVar:

NM_007254.4(PNKP):c.1298+1G>A

Gene: PNKP (polynucleotide kinase 3'-phosphatase; minus strand). Cytogenetic location: 19q13.33.
Variant type: single nucleotide variant.
Coding change: c.1298+1G>A on transcript NM_007254.4 (MANE Select); the canonical splice donor site of the intron after coding-DNA position 1298, G replaced by A.
Molecular consequence: splice donor variant.
Genome position (GRCh38, 1-based): chr19:49,861,771, C>T on the plus strand (G>A on the coding strand, the complement: PNKP is on the minus strand). VCF-style: chr19-49861771-C-T. GRCh37 (hg19) VCF-style: chr19-50365028-C-T.
Identifiers: ClinVar variation 1467112 (VCV001467112.6), dbSNP rs149614720, ClinGen allele CA309540000.

ClinVar aggregate classification (germline): Likely pathogenic (1 of 4 stars; one submission).

Conditions:
Developmental and epileptic encephalopathy, 12 (DEE12). Identifiers: MedGen C3150988, MONDO:0013389, OMIM 613722.

Allele frequency attached by ClinVar (database versions not stated): gnomAD exomes below 0.00001; TOPMed below 0.00001; ESP Exome Variant Server 0.00008.
gnomAD v4.1: 2 of 1,569,728 alleles (0.00013%); highest among the groups gnomAD compares: Non-Finnish European, 0.000086%; no homozygotes.

Submission:

Labcorp Genetics (formerly Invitae), Labcorp
Classification: Likely pathogenic for Developmental and epileptic encephalopathy, 12. Last evaluated: 2025-03-03. Review status: criteria provided, single submitter. Criteria: Invitae Variant Classification Sherloc (09022015). Collection method: clinical testing. Allele origin: germline.
Comment: This sequence change affects a donor splice site in intron 14 of the PNKP gene. It is expected to disrupt RNA splicing. Variants that disrupt the donor or acceptor splice site typically lead to a loss of protein function (PMID: 16199547), and loss-of-function variants in PNKP are known to be pathogenic (PMID: 20118933, 25728773). This variant is not present in population databases (gnomAD no frequency). This variant has not been reported in the literature in individuals affected with PNKP-related conditions. ClinVar contains an entry for this variant (Variation ID: 1467112). Algorithms developed to predict the effect of sequence changes on RNA splicing suggest that this variant may disrupt the consensus splice site. In summary, the currently available evidence indicates that the variant is pathogenic, but additional data are needed to prove that conclusively. Therefore, this variant has been classified as Likely Pathogenic.

Literature cited by the submitters: PubMed 16199547; PubMed 20118933; PubMed 25728773.